The following is an entry in ClinVar:

ClinVar aggregate classification (germline): Pathogenic (1 of 4 stars; one submission).

Conditions:
Epidermolysis bullosa simplex 5B, with muscular dystrophy (EBS5B). Also called: EPIDERMOLYSIS BULLOSA SIMPLEX AND LIMB-GIRDLE MUSCULAR DYSTROPHY; Epidermolysis bullosa simplex with muscular dystrophy. Identifiers: Orphanet 257, MedGen C2931072, MONDO:0009181, OMIM 226670.
Epidermolysis bullosa simplex, Ogna type (EBS5A). Also called: Pidermolysis bullosa simplex 5A, Ogna type; EPIDERMOLYSIS BULLOSA SIMPLEX 5A, OGNA TYPE. Identifiers: Orphanet 79401, MedGen C0432317, MONDO:0007555, OMIM 131950.
Epidermolysis bullosa simplex with nail dystrophy (EBS5D). Identifiers: MedGen C4225309, MONDO:0014661, OMIM 616487.
Epidermolysis bullosa simplex 5C, with pyloric atresia (EBS5C). Also called: PLEC1-Related Epidermolysis Bullosa with Pyloric Atresia; Epidermolysis bullosa simplex with pyloric atresia; PLEC-Related Epidermolysis Bullosa with Pyloric Atresia. Identifiers: Orphanet 158684, MedGen C2677349, MONDO:0012807, OMIM 612138.
Autosomal recessive limb-girdle muscular dystrophy type 2Q (LGMDR17). Also called: MUSCULAR DYSTROPHY, LIMB-GIRDLE, AUTOSOMAL RECESSIVE 17. Identifiers: Orphanet 254361, MedGen C3150989, MONDO:0013390, OMIM 613723.

Submission:

Labcorp Genetics (formerly Invitae), Labcorp
Classification: Pathogenic for Autosomal recessive limb-girdle muscular dystrophy type 2Q; Epidermolysis bullosa simplex, Ogna type; Epidermolysis bullosa simplex with nail dystrophy; Epidermolysis bullosa simplex 5C, with pyloric atresia; Epidermolysis bullosa simplex 5B, with muscular dystrophy. Last evaluated: 2021-08-19. Review status: criteria provided, single submitter. Criteria: Invitae Variant Classification Sherloc (09022015). Collection method: clinical testing. Allele origin: germline.
Comment: This sequence change creates a premature translational stop signal (p.Gln862*) in the PLEC gene. It is expected to result in an absent or disrupted protein product. Loss-of-function variants in PLEC are known to be pathogenic (PMID: 20301336, 20447487, 21109228, 23289980, 28824526). This variant is not present in population databases (ExAC no frequency). This variant has not been reported in the literature in individuals affected with PLEC-related conditions. For these reasons, this variant has been classified as Pathogenic.

Literature cited by the submitters: PubMed 20301336; PubMed 20447487; PubMed 21109228; PubMed 23289980; PubMed 28824526.

NM_201384.3(PLEC):c.2503C>T (p.Gln835Ter)

Gene: PLEC (plectin; minus strand). Cytogenetic location: 8q24.3.
Variant type: single nucleotide variant.
Coding change: c.2503C>T on transcript NM_201384.3 (MANE Select); coding-DNA position 2503, C replaced by T.
Protein change: p.Gln835Ter; replaces glutamine 835 with a stop codon.
Molecular consequence: nonsense.
Genome position (GRCh38, 1-based): chr8:143,930,253, G>A on the plus strand (C>T on the coding strand, the complement: PLEC is on the minus strand). VCF-style: chr8-143930253-G-A. GRCh37 (hg19) VCF-style: chr8-145004421-G-A.
Other names: c.2584C>T, p.Gln862Ter (NM_000445.5); c.2461C>T, p.Gln821Ter (NM_201378.4); c.2437C>T, p.Gln813Ter (NM_201379.3); c.2914C>T, p.Gln972Ter (NM_201380.4); c.2407C>T, p.Gln803Ter (NM_201381.3); c.2503C>T, p.Gln835Ter (NM_201382.4); c.2515C>T, p.Gln839Ter (NM_201383.3); short protein forms Q803*, Q835*, Q862*, Q813*, Q821*, Q839*, Q972*.
Identifiers: ClinVar variation 1427195 (VCV001427195.6), dbSNP rs2131772658, ClinGen allele CA372574100.